The following is an entry in ClinVar:

ClinVar aggregate classification (germline): Likely benign (1 of 4 stars; one submission).

Conditions:
TMEM67-related disorder. Also called: TMEM67-related disorders; TMEM67-related condition. Identifiers: MedGen CN239423.

gnomAD v4.1: 21 of 1,611,192 alleles (0.0013%); highest among the groups gnomAD compares: Admixed American, 0.0017%; no homozygotes.

Submission:

PreventionGenetics, part of Exact Sciences
Classification: Likely benign for TMEM67-related condition. Last evaluated: 2025-01-15. Review status: criteria provided, single submitter. Criteria: ACMG Guidelines, 2015. Collection method: clinical testing. Allele origin: germline.
Comment: This variant is classified as likely benign based on ACMG/AMP sequence variant interpretation guidelines (Richards et al. 2015 PMID: 25741868, with internal and published modifications).

NM_153704.6(TMEM67):c.579A>G (p.Thr193=)

Gene: TMEM67 (transmembrane protein 67; plus strand). Cytogenetic location: 8q22.1.
Variant type: single nucleotide variant.
Coding change: c.579A>G on transcript NM_153704.6 (MANE Select); coding-DNA position 579, A replaced by G.
Protein change: p.Thr193=; no amino-acid change (threonine 193 retained).
Molecular consequence: synonymous variant. On other transcripts: non-coding transcript variant (1).
Genome position (GRCh38, 1-based): chr8:93,765,574, A>G. VCF-style: chr8-93765574-A-G. GRCh37 (hg19) VCF-style: chr8-94777802-A-G.
Other names: c.336A>G, p.Thr112= (NM_001142301.1).
Identifiers: ClinVar variation 4989151 (VCV004989151.1).